The following is an entry in ClinVar:

NM_003280.3(TNNC1):c.442A>G (p.Ile148Val)

Gene: TNNC1 (troponin C1, slow skeletal and cardiac type; minus strand). Cytogenetic location: 3p21.1.
Variant type: single nucleotide variant.
Coding change: c.442A>G on transcript NM_003280.3 (MANE Select); coding-DNA position 442, A replaced by G.
Protein change: p.Ile148Val; replaces isoleucine 148 with valine.
Molecular consequence: missense variant.
Genome position (GRCh38, 1-based): chr3:52,451,403, T>C on the plus strand (A>G on the coding strand, the complement: TNNC1 is on the minus strand). VCF-style: chr3-52451403-T-C. GRCh37 (hg19) VCF-style: chr3-52485419-T-C.
Other names: short protein forms I148V.
Identifiers: ClinVar variation 44682 (VCV000044682.11), dbSNP rs397516848, ClinGen allele CA134857.
Genomic context (GRCh38, chr3:52,451,403, plus strand): 5'-GGCTGGGCAGGGCATGGAGGCAGGAGATCAGCCCACCCACCCGCTTACCATCATAGTCGA[T>C]GCGGCCGTCGTTGTTCTTGTCTCCGTCCTTCATGAGCTCCTCGATGTCGTCCTCCGTGAT-3'
Protein context (NP_003271.1, residues 138-158): KDGDKNNDGR[Ile148Val]DYDEFLEFMK

ClinVar aggregate classification (germline): Uncertain significance. Review status: criteria provided, multiple submitters, no conflicts (2 of 4 stars). 5 submissions from 5 submitters: Uncertain significance (5). Last evaluated 2025-07-09.

Conditions:
Hypertrophic cardiomyopathy 13. Also called: TNNC1-Related Familial Hypertrophic Cardiomyopathy. Identifiers: MedGen C2750472, MONDO:0013195, OMIM 613243.
Dilated cardiomyopathy 1Z (CMD1Z). Identifiers: Orphanet 154, MedGen C2678475, MONDO:0012745, OMIM 611879.
Primary dilated cardiomyopathy (DCM). Also called: Dilated Cardiomyopathy. Identifiers: Orphanet 217604, MedGen C0007193, MeSH D002311, MONDO:0005021, HP:0001644. Inheritance: Various modes of inheritance.

Allele frequency attached by ClinVar (database versions not stated): ExAC 0.00001; gnomAD 0.00001; gnomAD exomes 0.00001; TOPMed 0.00002.
gnomAD v4.1: 21 of 1,614,028 alleles (0.0013%); highest among the groups gnomAD compares: Middle Eastern, 0.016%; 1 homozygote.

Submissions (5):

Labcorp Genetics (formerly Invitae), Labcorp
Classification: Uncertain significance for Hypertrophic cardiomyopathy 13; Dilated cardiomyopathy 1Z. Last evaluated: 2025-07-09. Review status: criteria provided, single submitter. Criteria: Invitae Variant Classification Sherloc (09022015). Collection method: clinical testing. Allele origin: germline.
Comment: This sequence change replaces isoleucine, which is neutral and non-polar, with valine, which is neutral and non-polar, at codon 148 of the TNNC1 protein (p.Ile148Val). This variant is present in population databases (rs397516848, gnomAD 0.003%). This missense change has been observed in individual(s) with clinical features of dilated cardiomyopathy (PMID: 20215591, 24503780, 27532257, 28807990, 37652022). ClinVar contains an entry for this variant (Variation ID: 44682). An algorithm developed to predict the effect of missense changes on protein structure and function (PolyPhen-2) suggests that this variant is likely to be disruptive. Experimental studies have shown that this missense change affects TNNC1 function (PMID: 21832052). In summary, the available evidence is currently insufficient to determine the role of this variant in disease. Therefore, it has been classified as a Variant of Uncertain Significance.

Women's Health and Genetics/Laboratory Corporation of America, LabCorp
Classification: Uncertain significance. Last evaluated: 2021-07-06. Review status: criteria provided, single submitter. Criteria: LabCorp Variant Classification Summary - May 2015. Collection method: clinical testing. Allele origin: germline.
Comment: Variant summary: TNNC1 c.442A>G (p.Ile148Val) results in a conservative amino acid change located in the EF-hand domain (IPR002048) of the encoded protein sequence. Three of five in-silico tools predict a benign effect of the variant on protein function. The variant allele was found at a frequency of 8e-06 in 250838 control chromosomes (gnomAD). The available data on variant occurrences in the general population are insufficient to allow any conclusion about variant significance. c.442A>G has been reported in the literature in individuals affected with Cardiomyopathy and SUD (e.g. Hershberger_2010, Pinto_2011, Ng_2013, Pugh_2014, Dewar_2017). These reports do not provide unequivocal conclusions about association of the variant with Cardiomyopathy. A co-occurrence with a likely pathogenic variant has been reported (DSP c.2848_2849insA, p.Ile950AsnfsX3; Pugh_2014). Experimental evidence evaluating an impact on protein function demonstrated pig skinned fibers reconstituted with the variant and incubated with PKA, to have a reduced effect of PKA phosphorylation on myofilament Ca2+ desensitization compared with WT. Nevertheless, the variant was similar to WT in fully activating or inhibiting the actomyosin ATPase activity in the presence and absence of Ca2+, while it did not affect the maximal force recovery in the presence or absence of PKA compared with WT (Pinto_2011). These data do not allow convincing conclusions about the variant effect. Two ClinVar submitters (evaluation after 2014) cite the variant as uncertain significance. Based on the evidence outlined above, the variant was classified as uncertain significance.

Blueprint Genetics
Classification: Uncertain significance. Last evaluated: 2020-02-03. Review status: criteria provided, single submitter. Criteria: ACMG Guidelines, 2015. Collection method: clinical testing. Allele origin: germline.

Biesecker Lab/Clinical Genomics Section, National Institutes of Health
Classification: Uncertain significance for Primary dilated cardiomyopathy. Last evaluated: 2018-04-05. Review status: criteria provided, single submitter. Criteria: ACMG Guidelines, 2015. Collection method: research. Allele origin: unknown. Affected: no. Observed: 1 variant allele.
Comment: The study set was not selected for affection status in relation to arrhythmia or cardiomyopathy. Pathogenicity categories were based on literature curation. See Pubmed ID:25741868 for details.

Medical sequencing

Laboratory for Molecular Medicine, Mass General Brigham Personalized Medicine
Classification: Uncertain significance. Last evaluated: 2012-05-25. Review status: criteria provided, single submitter. Criteria: LMM Criteria. Collection method: clinical testing. Allele origin: germline. Observed: 1 variant allele.
Comment: The Ile148Val variant in TNNC1 has been identified in 1 individual with DCM and was absent from 492 control chromosomes (Hershberger 2010). Studies showed that this variant exhibited decreased calcium sensitivity and altered response to PKA phosphorylation, but these in vitro assays may not accurately represent biologi cal function (Pinto 2011). Computational analyses (biochemical amino acid proper ties, conservation,AlignGVGD, and SIFT) suggest that the Ile148Val variant may n ot impact the protein, though this information is not predictive enough to rule out pathogenicity. In summary, the available information for this variant is con flicting and additional information is needed to fully assess its clinical signi ficance.

Literature cited by the submitters: PubMed 20215591 (cited by 3 submitters); PubMed 24503780 (cited by Labcorp Genetics (formerly Invitae), Labcorp and Women's Health and Genetics/Laboratory Corporation of America, LabCorp); PubMed 27532257 (cited by Labcorp Genetics (formerly Invitae), Labcorp and Women's Health and Genetics/Laboratory Corporation of America, LabCorp); PubMed 28807990 (cited by Labcorp Genetics (formerly Invitae), Labcorp and Women's Health and Genetics/Laboratory Corporation of America, LabCorp); PubMed 37652022 (cited by Labcorp Genetics (formerly Invitae), Labcorp); PubMed 21832052 (cited by 3 submitters); PubMed 23861362 (cited by Women's Health and Genetics/Laboratory Corporation of America, LabCorp).